The following is an entry in ClinVar:

ClinVar aggregate classification (germline): Uncertain significance. Review status: criteria provided, multiple submitters, no conflicts (2 of 4 stars). 2 submissions from 2 submitters: Uncertain significance (2). Last evaluated 2025-08-07.

Submissions (2):

Dasa
Classification: Uncertain significance. Last evaluated: 2025-08-07. Review status: criteria provided, single submitter. Criteria: DASA Assertion Criteria. Collection method: clinical testing. Allele origin: germline.
Comment: NM_007144.3(PCGF2):c.1024C>G (p.Pro342Ala) is a missense variant that results in the substitution of proline with alanine. This variant is rare in population databases. Computational prediction algorithms are consistent with a benign effect. The currently available literature and clinical evidence are not sufficient to establish a definitive association between this variant and the reported condition. Therefore, this variant is classified as a variant of uncertain significance.

Labcorp Genetics (formerly Invitae), Labcorp
Classification: Uncertain significance. Last evaluated: 2023-10-13. Review status: criteria provided, single submitter. Criteria: Invitae Variant Classification Sherloc (09022015). Collection method: clinical testing. Allele origin: germline.
Comment: This sequence change replaces proline, which is neutral and non-polar, with alanine, which is neutral and non-polar, at codon 342 of the PCGF2 protein (p.Pro342Ala). This variant is not present in population databases (gnomAD no frequency). This variant has not been reported in the literature in individuals affected with PCGF2-related conditions. ClinVar contains an entry for this variant (Variation ID: 1955106). An algorithm developed to predict the effect of missense changes on protein structure and function (PolyPhen-2) suggests that this variant is likely to be tolerated. In summary, the available evidence is currently insufficient to determine the role of this variant in disease. Therefore, it has been classified as a Variant of Uncertain Significance.

NM_007144.3(PCGF2):c.1024C>G (p.Pro342Ala)

Genes: CISD3 (CDGSH iron sulfur domain 3; plus strand), PCGF2 (polycomb group ring finger 2; minus strand). Cytogenetic location: 17q12.
Variant type: single nucleotide variant.
Coding change: c.1024C>G on transcript NM_007144.3 (MANE Select); coding-DNA position 1024, C replaced by G.
Protein change: p.Pro342Ala; replaces proline 342 with alanine.
Molecular consequence: missense variant. On other transcripts: 3 prime UTR variant (1).
Genome position (GRCh38, 1-based): chr17:38,735,234, G>C on the plus strand (C>G on the coding strand, the complement: PCGF2 is on the minus strand). VCF-style: chr17-38735234-G-C. GRCh37 (hg19) VCF-style: chr17-36891487-G-C.
Other names: c.*1779G>C (NM_001136498.2); c.1024C>G, p.Pro342Ala (NM_001369614.1, NM_001369615.1); short protein forms P342A.
Identifiers: ClinVar variation 1955106 (VCV001955106.7), dbSNP rs775916672, ClinGen allele CA8524836.